The following is an entry in ClinVar:

NM_006915.3(RP2):c.430A>T (p.Lys144Ter)

Gene: RP2 (RP2 activator of ARL3 GTPase; plus strand). Cytogenetic location: Xp11.3.
Variant type: single nucleotide variant.
Coding change: c.430A>T on transcript NM_006915.3 (MANE Select); coding-DNA position 430, A replaced by T.
Protein change: p.Lys144Ter; replaces lysine 144 with a stop codon.
Molecular consequence: nonsense.
Genome position (GRCh38, 1-based): chrX:46,853,803, A>T. VCF-style: chrX-46853803-A-T. GRCh37 (hg19) VCF-style: chrX-46713238-A-T.
Other names: short protein forms K144*.
Identifiers: ClinVar variation 2851728 (VCV002851728.3), dbSNP rs2519914408, ClinGen allele CA413039799.
Genomic context (GRCh38, chrX:46,853,803, plus strand): 5'-AAGCTGGAAGTCTTTTTGTGTTGTGCCACTCAACCCATCATTGAGTCTTCCTCAAATATC[A>T]AATTTGGATGTTTTCAATGGTACTATCCTGAATTAGCTTTCCAGTTCAAAGATGCAGGGC-3'

ClinVar aggregate classification (germline): Pathogenic (1 of 4 stars; one submission).

Submission:

Labcorp Genetics (formerly Invitae), Labcorp
Classification: Pathogenic. Last evaluated: 2023-04-16. Review status: criteria provided, single submitter. Criteria: Invitae Variant Classification Sherloc (09022015). Collection method: clinical testing. Allele origin: germline.
Comment: For these reasons, this variant has been classified as Pathogenic. This variant has not been reported in the literature in individuals affected with RP2-related conditions. This variant is not present in population databases (gnomAD no frequency). This sequence change creates a premature translational stop signal (p.Lys144*) in the RP2 gene. It is expected to result in an absent or disrupted protein product. Loss-of-function variants in RP2 are known to be pathogenic (PMID: 11992260, 20625056).

Literature cited by the submitters: PubMed 11992260; PubMed 20625056.